The following is an entry in ClinVar:

NM_012268.4(PLD3):c.1092C>T (p.Ile364=)

Gene: PLD3 (phospholipase D family member 3; plus strand). Cytogenetic location: 19q13.2.
Variant type: single nucleotide variant.
Coding change: c.1092C>T on transcript NM_012268.4 (MANE Select); coding-DNA position 1092, C replaced by T.
Protein change: p.Ile364=; no amino-acid change (isoleucine 364 retained).
Molecular consequence: synonymous variant.
Genome position (GRCh38, 1-based): chr19:40,376,681, C>T. VCF-style: chr19-40376681-C-T. GRCh37 (hg19) VCF-style: chr19-40882588-C-T.
Other names: p.Ile364=; c.1092C>T, p.Ile364= (NM_001031696.4, NM_001291311.2).
Identifiers: ClinVar variation 789668 (VCV000789668.10), dbSNP rs57187324, ClinGen allele CA9442935.
Genomic context (GRCh38, chr19:40,376,681, plus strand): 5'-CATTGACGATGGGCTGCGGCGGGCCACCTACGAGCGTGGCGTCAAGGTGCGCCTGCTCAT[C>T]AGCTGCTGGGGACACTCGGAGCCATCCATGCGGGCCTTCCTGCTCTCTCTGGCTGCCCTG-3'
Protein context (NP_036400.2, residues 354-374): YERGVKVRLL[Ile364=]SCWGHSEPSM

ClinVar aggregate classification (germline): Benign. Review status: criteria provided, multiple submitters, no conflicts (2 of 4 stars). 3 submissions from 3 submitters: Benign (3). Last evaluated 2025-12-23.

Allele frequency attached by ClinVar (database versions not stated): gnomAD exomes 0.00229 and 0.00082; ExAC 0.00274; 1000 Genomes Project 0.00779; 1000 Genomes Project 30x 0.00828; gnomAD 0.00846 and 0.00914; TOPMed 0.00948; ESP Exome Variant Server 0.00953.
gnomAD v4.1: 2,543 of 1,606,324 alleles (0.16%); highest among the groups gnomAD compares: African/African-American, 3%; 40 homozygotes.

Submissions (3):

Labcorp Genetics (formerly Invitae), Labcorp
Classification: Benign. Last evaluated: 2025-12-23. Review status: criteria provided, single submitter. Criteria: Invitae Variant Classification Sherloc (09022015). Collection method: clinical testing. Allele origin: germline.

Mayo Clinic Laboratories, Mayo Clinic
Classification: Benign. Last evaluated: 2024-06-04. Review status: criteria provided, single submitter. Criteria: ACMG Guidelines, 2015. Collection method: clinical testing. Allele origin: germline. Observed: 2 variant alleles.
Comment: BS1, BS2, BP4, BP7

Breakthrough Genomics
Classification: Benign. Review status: criteria provided, single submitter. Criteria: ACMG Guidelines, 2015. Collection method: not provided. Allele origin: germline. Inheritance: Autosomal dominant inheritance. Affected: yes.

Literature cited by the submitters: PubMed 26411346 (cited by Mayo Clinic Laboratories, Mayo Clinic).